The following is an entry in ClinVar:

ClinVar aggregate classification (germline): Uncertain significance (1 of 4 stars; one submission).

Conditions:
Congenital contractural arachnodactyly (CCA). Also called: BEALS SYNDROME; Beals-Hecht syndrome; Arthrogryposis, distal, type 9. Identifiers: Orphanet 115, MedGen C0220668, MONDO:0007363, OMIM 121050.

Submission:

Labcorp Genetics (formerly Invitae), Labcorp
Classification: Uncertain significance for Congenital contractural arachnodactyly. Last evaluated: 2023-04-10. Review status: criteria provided, single submitter. Criteria: Invitae Variant Classification Sherloc (09022015). Collection method: clinical testing. Allele origin: germline.
Comment: This variant has not been reported in the literature in individuals affected with FBN2-related conditions. This variant is not present in population databases (gnomAD no frequency). This sequence change replaces aspartic acid, which is acidic and polar, with histidine, which is basic and polar, at codon 360 of the FBN2 protein (p.Asp360His). This variant also falls at the last nucleotide of exon 8, which is part of the consensus splice site for this exon. An algorithm developed to predict the effect of missense changes on protein structure and function (PolyPhen-2) suggests that this variant is likely to be disruptive. In summary, the available evidence is currently insufficient to determine the role of this variant in disease. Therefore, it has been classified as a Variant of Uncertain Significance. Variants that disrupt the consensus splice site are a relatively common cause of aberrant splicing (PMID: 17576681, 9536098). Algorithms developed to predict the effect of sequence changes on RNA splicing suggest that this variant may disrupt the consensus splice site.

Literature cited by the submitters: PubMed 17576681; PubMed 9536098.

NM_001999.4(FBN2):c.1078G>C (p.Asp360His)

Gene: FBN2 (fibrillin 2; minus strand). Cytogenetic location: 5q23.3.
Variant type: single nucleotide variant.
Coding change: c.1078G>C on transcript NM_001999.4 (MANE Select); coding-DNA position 1078, G replaced by C.
Protein change: p.Asp360His; replaces aspartic acid 360 with histidine.
Molecular consequence: missense variant.
Genome position (GRCh38, 1-based): chr5:128,408,674, C>G on the plus strand (G>C on the coding strand, the complement: FBN2 is on the minus strand). VCF-style: chr5-128408674-C-G. GRCh37 (hg19) VCF-style: chr5-127744367-C-G.
Other names: short protein forms D360H.
Identifiers: ClinVar variation 2854761 (VCV002854761.3), dbSNP rs1356151682, ClinGen allele CA360753094.